The following is an entry in ClinVar:

ClinVar aggregate classification (germline): Uncertain significance (1 of 4 stars; one submission).

Conditions:
Epilepsy, idiopathic generalized, susceptibility to, 13. Also called: EPILEPSY, JUVENILE MYOCLONIC, SUSCEPTIBILITY TO, 5. Identifiers: Orphanet 307, Orphanet 64280, MedGen C4013473, MONDO:0012627, OMIM 611136.

Submission:

Institute of Human Genetics, University of Leipzig Medical Center
Classification: Uncertain significance for Epilepsy, idiopathic generalized, susceptibility to, 13. Last evaluated: 2026-07-09. Review status: criteria provided, single submitter. Criteria: ACMG Guidelines, 2015. Collection method: clinical testing. Allele origin: maternal. Inheritance: Autosomal dominant inheritance. Affected: yes.
Comment: Criteria applied: PM2,PP2,PP3

NM_001127644.2(GABRA1):c.491C>A (p.Ala164Asp)

Gene: GABRA1 (gamma-aminobutyric acid type A receptor subunit alpha1; plus strand). Cytogenetic location: 5q34.
Variant type: single nucleotide variant.
Coding change: c.491C>A on transcript NM_001127644.2 (MANE Select); coding-DNA position 491, C replaced by A.
Protein change: p.Ala164Asp; replaces alanine 164 with aspartic acid.
Molecular consequence: missense variant.
Genome position (GRCh38, 1-based): chr5:161,875,574, C>A. VCF-style: chr5-161875574-C-A. GRCh37 (hg19) VCF-style: chr5-161302580-C-A.
Other names: c.491C>A, p.Ala164Asp (NM_000806.5, NM_001127643.2, NM_001127645.2 and 1 more transcripts); short protein forms A164D.
Identifiers: ClinVar variation 4890688 (VCV004890688.1).